The following is an entry in ClinVar:

ClinVar aggregate classification (germline): Uncertain significance (1 of 4 stars; one submission).

Submission:

ISCA site 4
Classification: Uncertain significance. Last evaluated: 2017-09-01. Review status: criteria provided, single submitter. Criteria: Kaminsky et al. (Genet Med. 2011). Collection method: clinical testing. Allele origin: unknown. Affected: yes. Observed: 1 variant allele.
Comment: Copy number variation identified through the course of routine clinical cytogenomic testing in postnatal populations. Clinical assertions have been curated as described in Kaminsky et al. 2011.

GRCh38/hg38 5q22.2(chr5:112838409-112934061)x1

Genes: APC (APC regulator of WNT signaling pathway; plus strand), REEP5 (receptor accessory protein 5; minus strand), SRP19 (signal recognition particle 19; plus strand), LOC112997553 (Sharpr-MPRA regulatory region 9882; plus strand), LOC126807477 (P300/CBP strongly-dependent group 1 enhancer GRCh37_chr5:112226954-112228153; plus strand) and 4 more. Cytogenetic location: 5q22.2.
Variant type: copy number loss.
Change: copy number 1 (one copy instead of two) of chr5:112,838,409-112,934,061 (95.7 kb, GRCh38 coordinates, 1-based), cytogenetic band 5q22.2.
Identifiers: ClinVar variation 57291 (VCV000057291.2).